The following is an entry in ClinVar:

ClinVar aggregate classification (germline): Benign/Likely benign. Review status: criteria provided, multiple submitters, no conflicts (2 of 4 stars). 7 submissions from 7 submitters: Benign (3); Likely benign (4). Last evaluated 2025-09-17.

Conditions:
Thrombocytopenia 2 (THC2). Also called: ANKRD26-Related Thrombocytopenia. Identifiers: Orphanet 268322, MedGen C1861185, MONDO:0008555, OMIM 188000.

Allele frequency attached by ClinVar (database versions not stated): gnomAD exomes 0.00010 and 0.00020; gnomAD 0.00016; ExAC 0.00018; TOPMed 0.00018; ESP Exome Variant Server 0.00026.
gnomAD v4.1: 169 of 1,589,832 alleles (0.011%); highest among the groups gnomAD compares: Admixed American, 0.0017%; 1 homozygote.

Submissions (7):

Mayo Clinic Laboratories, Mayo Clinic
Classification: Likely benign. Last evaluated: 2025-09-17. Review status: criteria provided, single submitter. Criteria: ACMG Guidelines, 2015. Collection method: clinical testing. Allele origin: germline. Observed: 1 variant allele.
Comment: BP4, BP7

Labcorp Genetics (formerly Invitae), Labcorp
Classification: Benign. Last evaluated: 2025-07-23. Review status: criteria provided, single submitter. Criteria: Invitae Variant Classification Sherloc (09022015). Collection method: clinical testing. Allele origin: germline.

Blueprint Genetics
Classification: Likely benign. Last evaluated: 2024-09-24. Review status: criteria provided, single submitter. Criteria: ACMG Guidelines, 2015. Collection method: clinical testing. Allele origin: germline.

Center for Genomics, Ann and Robert H. Lurie Children's Hospital of Chicago
Classification: Likely benign for Thrombocytopenia 2. Last evaluated: 2022-06-27. Review status: criteria provided, single submitter. Criteria: ACMG Guidelines, 2015. Collection method: clinical testing. Allele origin: germline.
Comment: This variant has not been reported in the literature but is present in the Genome Aggregation Database (Highest reported MAF: 0.4% [43/10334]) and in ClinVar (Variation ID: 299745). Evolutionary conservation and computational predictive tools for this variant are limited or unavailable. However, although this variant occurs in the splice region, splice prediction tools suggest that this variant does not impact splicing.

Genome-Nilou Lab
Classification: Benign for Thrombocytopenia 2. Last evaluated: 2021-12-05. Review status: criteria provided, single submitter. Criteria: ACMG Guidelines, 2015. Collection method: clinical testing. Allele origin: germline. Affected: no.

Genetic Services Laboratory, University of Chicago
Classification: Likely benign. Last evaluated: 2020-09-23. Review status: criteria provided, single submitter. Criteria: ACMG Guidelines, 2015. Collection method: clinical testing. Allele origin: germline. Affected: no.

Illumina Laboratory Services, Illumina
Classification: Benign for Thrombocytopenia 2. Last evaluated: 2018-01-13. Review status: criteria provided, single submitter. Criteria: ICSL Variant Classification Criteria 13 December 2019. Collection method: clinical testing. Allele origin: germline.
Comment: This variant was observed in the ICSL laboratory as part of a predisposition screen in an ostensibly healthy population. It had not been previously curated by ICSL or reported in the Human Gene Mutation Database (HGMD: prior to June 1st, 2018), and was therefore a candidate for classification through an automated scoring system. Utilizing variant allele frequency, disease prevalence and penetrance estimates, and inheritance mode, an automated score was calculated to assess if this variant is too frequent to cause the disease. Based on the score and internal cut-off values, a variant classified as benign is not then subjected to further curation. The score for this variant resulted in a classification of benign for this disease.

NM_014915.3(ANKRD26):c.1635+9T>C

Gene: ANKRD26 (ankyrin repeat domain 26; minus strand). Cytogenetic location: 10p12.1.
Variant type: single nucleotide variant.
Coding change: c.1635+9T>C on transcript NM_014915.3 (MANE Select); 9 bases into the intron after coding-DNA position 1635, T replaced by C.
Molecular consequence: intron variant.
Genome position (GRCh38, 1-based): chr10:27,053,311, A>G on the plus strand (T>C on the coding strand, the complement: ANKRD26 is on the minus strand). VCF-style: chr10-27053311-A-G. GRCh37 (hg19) VCF-style: chr10-27342240-A-G.
Other names: p.?; c.1635+9T>C (NM_001256053.2).
Identifiers: ClinVar variation 299745 (VCV000299745.16), dbSNP rs199590440, ClinGen allele CA5448467.